The following is an entry in ClinVar:

ClinVar aggregate classification (germline): Pathogenic. Review status: reviewed by expert panel (3 of 4 stars). 6 submissions from 6 submitters: Pathogenic (1). 5 of the submissions do not count toward it. Last evaluated 2017-12-15.

Conditions:
Breast-ovarian cancer, familial, susceptibility to, 2 (BROVCA2). Also called: BRCA2 Hereditary Breast and Ovarian Cancer. Identifiers: Orphanet 145, MedGen C2675520, MONDO:0012933, OMIM 612555. Disease mechanism: loss of function.
Hereditary cancer-predisposing syndrome. Also called: Hereditary Cancer Syndrome; Hereditary neoplastic syndrome; Tumor predisposition; Neoplastic Syndromes, Hereditary. Identifiers: Orphanet 140162, MedGen C0027672, MeSH D009386, MONDO:0015356.
Hereditary breast ovarian cancer syndrome. Also called: Hereditary breast and ovarian cancer syndrome; BRCA1- and BRCA2-Associated Hereditary Breast and Ovarian Cancer; Hereditary breast and ovarian cancer syndrome (HBOC); Hereditary breast and/or ovarian cancer syndrome; Hereditary breast and ovarian cancer; Breast and ovarian cancer. Identifiers: Orphanet 145, MedGen C0677776, MeSH D061325, MONDO:0003582. Disease mechanism: loss of function.

Submissions (6):

Evidence-based Network for the Interpretation of Germline Mutant Alleles (ENIGMA)
Classification: Pathogenic for Breast-ovarian cancer, familial, susceptibility to, 2. Last evaluated: 2017-12-15. Review status: reviewed by expert panel. Criteria: ENIGMA BRCA1/2 Classification Criteria (2017-06-29). Collection method: curation. Allele origin: germline. Study: ENIGMA.
Comment: Variant allele predicted to encode a truncated non-functional protein.

Labcorp Genetics (formerly Invitae), Labcorp
Classification: Pathogenic for Hereditary breast ovarian cancer syndrome. Last evaluated: 2025-05-27. Review status: criteria provided, single submitter. Criteria: Invitae Variant Classification Sherloc (09022015). Collection method: clinical testing. Allele origin: germline. Not counted in ClinVar's aggregate classification.
Comment: This sequence change creates a premature translational stop signal (p.Gln1379Argfs*9) in the BRCA2 gene. It is expected to result in an absent or disrupted protein product. Loss-of-function variants in BRCA2 are known to be pathogenic (PMID: 20104584). This variant is not present in population databases (gnomAD no frequency). This premature translational stop signal has been observed in individual(s) with breast and/or ovarian cancer (PMID: 23179792). This variant is also known as c.4363delC. ClinVar contains an entry for this variant (Variation ID: 441521). For these reasons, this variant has been classified as Pathogenic.

Ambry Genetics
Classification: Pathogenic for Hereditary cancer-predisposing syndrome. Last evaluated: 2021-01-28. Review status: criteria provided, single submitter. Criteria: Ambry Variant Classification Scheme 2023. Collection method: clinical testing. Allele origin: germline. Not counted in ClinVar's aggregate classification.
Comment: The c.4135delC pathogenic mutation, located in coding exon 10 of the BRCA2 gene, results from a deletion of one nucleotide at nucleotide position 4135, causing a translational frameshift with a predicted alternate stop codon (p.Q1379Rfs*9). This variant was not reported in population-based cohorts in the Genome Aggregation Database (gnomAD). This alteration is expected to result in loss of function by premature protein truncation or nonsense-mediated mRNA decay. As such, this alteration is interpreted as a disease-causing mutation.

ARUP Laboratories, Molecular Genetics and Genomics, ARUP Laboratories
Classification: Pathogenic. Last evaluated: 2020-07-20. Review status: criteria provided, single submitter. Criteria: ARUP Molecular Germline Variant Investigation Process. Collection method: clinical testing. Allele origin: germline. Not counted in ClinVar's aggregate classification.
Comment: The BRCA2 c.4135delC; p.Gln1379fs variant (rs1555283588) is reported in the literature in an individual at high risk for breast and ovarian cancer (Nelson-Moseke 2013). This variant is absent from general population databases (Exome Variant Server, Genome Aggregation Database), indicating it is not a common polymorphism. This variant causes a frameshift by deleting a single nucleotide, so it is predicted to result in a truncated protein or mRNA subject to nonsense-mediated decay. Additionally, numerous downstream truncating variants have been described in individuals with breast and ovarian cancer and are considered pathogenic (Bhaskaran 2019, Loizidou 2017). Based on available information, the p.Gln1379fs variant is considered to be pathogenic. References: Bhaskaran SP et al. Germline variation in BRCA1/2 is highly ethnic-specific: Evidence from over 30,000 Chinese hereditary breast and ovarian cancer patients. Int J Cancer. 2019 Aug 15;145(4):962-973. Loizidou MA et al. BRCA1 and BRCA2 mutation testing in Cyprus; a population based study. Clin Genet. 2017 Apr;91(4):611-615. Nelson-Moseke AC et al. An unusual BRCA mutation distribution in a high risk cancer genetics clinic. Fam Cancer. 2013;12(1):83-87.

Women's Health and Genetics/Laboratory Corporation of America, LabCorp
Classification: Pathogenic for Hereditary breast and ovarian cancer syndrome. Last evaluated: 2018-08-13. Review status: criteria provided, single submitter. Criteria: LabCorp Variant Classification Summary - May 2015. Collection method: clinical testing. Allele origin: germline. Not counted in ClinVar's aggregate classification.
Comment: Variant summary: BRCA2 c.4135delC (p.Gln1379ArgfsX9) results in a premature termination codon, predicted to cause a truncation of the encoded protein or absence of the protein due to nonsense mediated decay, which are commonly known mechanisms for disease. Truncations downstream of this position have been classified as pathogenic by our laboratory (e.g. c.4163_4164delinsA (p.Thr1388fsX22), c.4222C>T (p.Gln1408X), and c.4276dupA (p.Thr1426fsX12)). The variant was absent in 241516 control chromosomes. c.4135delC has been reported in the literature in individuals affected with Hereditary Breast and Ovarian Cancer (Nelson-Moseke 2013). To our knowledge, no experimental evidence demonstrating an impact on protein function has been reported. Two clinical diagnostic laboratories have submitted clinical-significance assessments for this variant to ClinVar after 2014 without evidence for independent evaluation, and both classified the variant as pathogenic. Based on the evidence outlined above, the variant was classified as pathogenic.

Quest Diagnostics Nichols Institute San Juan Capistrano
Classification: Pathogenic. Last evaluated: 2018-07-11. Review status: criteria provided, single submitter. Criteria: Quest Diagnostics criteria. Collection method: clinical testing. Allele origin: germline. Not counted in ClinVar's aggregate classification.

Literature cited by the submitters: PubMed 20104584 (cited by Labcorp Genetics (formerly Invitae), Labcorp); PubMed 23179792 (cited by Labcorp Genetics (formerly Invitae), Labcorp and Women's Health and Genetics/Laboratory Corporation of America, LabCorp).

NM_000059.4(BRCA2):c.4135del (p.Gln1379fs)

Gene: BRCA2 (BRCA2 DNA repair associated; plus strand). Cytogenetic location: 13q13.1.
Variant type: Deletion.
Coding change: c.4135del on transcript NM_000059.4 (MANE Select); coding-DNA position 4135, one base deleted (C; older notation c.4135delC).
Protein change: p.Gln1379fs; shifts the reading frame from glutamine 1379.
Molecular consequence: frameshift variant.
Genome position (GRCh38, 1-based): chr13:32,338,490, C deleted. VCF-style (leftmost placement, unchanged base first): chr13-32338489-TC-T. GRCh37 (hg19) VCF-style: chr13-32912626-TC-T.
Other names: c.4135delC (NM_000059.3).
Identifiers: ClinVar variation 441521 (VCV000441521.23), dbSNP rs1555283588, ClinGen allele CA658653662.